The following is an entry in ClinVar:

NM_032119.4(ADGRV1):c.18608T>C (p.Ile6203Thr)

Gene: ADGRV1 (adhesion G protein-coupled receptor V1; plus strand). Cytogenetic location: 5q14.3.
Variant type: single nucleotide variant.
Coding change: c.18608T>C on transcript NM_032119.4 (MANE Select); coding-DNA position 18608, T replaced by C.
Protein change: p.Ile6203Thr; replaces isoleucine 6203 with threonine.
Molecular consequence: missense variant. On other transcripts: non-coding transcript variant (1).
Genome position (GRCh38, 1-based): chr5:91,150,205, T>C. VCF-style: chr5-91150205-T-C. GRCh37 (hg19) VCF-style: chr5-90446022-T-C.
Other names: short protein forms I6203T.
Identifiers: ClinVar variation 1316104 (VCV001316104.2), dbSNP rs2126894613, ClinGen allele CA360432378.

ClinVar aggregate classification (germline): Uncertain significance (1 of 4 stars; one submission).

Submission:

GeneDx
Classification: Uncertain significance. Last evaluated: 2019-08-23. Review status: criteria provided, single submitter. Criteria: GeneDx Variant Classification Process June 2021. Collection method: clinical testing. Allele origin: germline. Affected: yes.
Comment: Not observed in large population cohorts (Lek et al., 2016); In silico analysis, which includes protein predictors and evolutionary conservation, supports that this variant does not alter protein structure/function; Has not been previously published as pathogenic or benign to our knowledge